The following is an entry in ClinVar:

ClinVar aggregate classification (germline): Uncertain significance (1 of 4 stars; one submission).

Allele frequency attached by ClinVar (database versions not stated): gnomAD exomes below 0.00001.
gnomAD v4.1: 2 of 1,614,046 alleles (0.00012%); highest among the groups gnomAD compares: Non-Finnish European, 0.000085%; no homozygotes.

Submission:

GeneDx
Classification: Uncertain significance. Last evaluated: 2019-05-07. Review status: criteria provided, single submitter. Criteria: GeneDx Variant Classification Process June 2021. Collection method: clinical testing. Allele origin: germline. Affected: yes.
Comment: Not observed in large population cohorts (Lek et al., 2016); In silico analysis, which includes protein predictors and evolutionary conservation, supports a deleterious effect; Has not been previously published as pathogenic or benign to our knowledge

NM_004380.3(CREBBP):c.1870C>T (p.Arg624Cys)

Gene: CREBBP (CREB binding protein; minus strand). Cytogenetic location: 16p13.3.
Variant type: single nucleotide variant.
Coding change: c.1870C>T on transcript NM_004380.3 (MANE Select); coding-DNA position 1870, C replaced by T.
Protein change: p.Arg624Cys; replaces arginine 624 with cysteine.
Molecular consequence: missense variant.
Genome position (GRCh38, 1-based): chr16:3,778,771, G>A on the plus strand (C>T on the coding strand, the complement: CREBBP is on the minus strand). VCF-style: chr16-3778771-G-A. GRCh37 (hg19) VCF-style: chr16-3828772-G-A.
Other names: c.1756C>T, p.Arg586Cys (NM_001079846.1); short protein forms R586C, R624C.
Identifiers: ClinVar variation 1196511 (VCV001196511.2), dbSNP rs2141237848, ClinGen allele CA394555391.